The following is an entry in ClinVar:

NM_004260.4(RECQL4):c.104C>T (p.Pro35Leu)

Genes: RECQL4 (RecQ like helicase 4; minus strand), LOC130001411 (ATAC-STARR-seq lymphoblastoid silent region 19699; plus strand). Cytogenetic location: 8q24.3.
Variant type: single nucleotide variant.
Coding change: c.104C>T on transcript NM_004260.4 (MANE Select); coding-DNA position 104, C replaced by T.
Protein change: p.Pro35Leu; replaces proline 35 with leucine.
Molecular consequence: missense variant. On other transcripts: 5 prime UTR variant (17), non-coding transcript variant (3), intron variant (1).
Genome position (GRCh38, 1-based): chr8:144,517,616, G>A on the plus strand (C>T on the coding strand, the complement: RECQL4 is on the minus strand). VCF-style: chr8-144517616-G-A. GRCh37 (hg19) VCF-style: chr8-145743000-G-A.
Other names: c.-873C>T (NM_001413040.1); c.-1030C>T (NM_001413041.1, NM_001413027.1, NM_001413030.1 and 1 more transcripts); c.-968C>T (NM_001413042.1, NM_001413022.1, NM_001413023.1 and 2 more transcripts); c.-1237C>T (NM_001413043.1); c.84+85C>T (NM_001413025.1); c.104C>T, p.Pro35Leu (NM_001413017.1, NM_001413018.1, NM_001413019.1 and 5 more transcripts); c.-617C>T (NM_001413021.1); c.-865C>T (NM_001413024.1, NM_001413035.1); and 3 more; short protein forms P35L.
Identifiers: ClinVar variation 4628991 (VCV004628991.1).

ClinVar aggregate classification (germline): Uncertain significance (1 of 4 stars; one submission).

Conditions:
Inborn genetic diseases. Identifiers: MedGen C0950123, MeSH D030342.

Submission:

Ambry Genetics
Classification: Uncertain significance for Inborn genetic diseases. Last evaluated: 2025-12-08. Review status: criteria provided, single submitter. Criteria: Ambry Variant Classification Scheme 2023. Collection method: clinical testing. Allele origin: germline.
Comment: The p.P35L variant (also known as c.104C>T), located in coding exon 2 of the RECQL4 gene, results from a C to T substitution at nucleotide position 104. The proline at codon 35 is replaced by leucine, an amino acid with similar properties. This amino acid position is conserved. In addition, the in silico prediction for this alteration is inconclusive. Based on the available evidence, the clinical significance of this variant remains unclear.